The following is an entry in ClinVar:

ClinVar aggregate classification (germline): Conflicting classifications of pathogenicity. Review status: criteria provided, conflicting classifications (1 of 4 stars). 6 submissions from 6 submitters: Likely pathogenic (3); Uncertain significance (1). 2 of the submissions do not count toward it. Last evaluated 2025-10-10.

Conditions:
SMG9-related disorder. Also called: SMG9-related condition.
Heart and brain malformation syndrome (HBMS). Identifiers: MedGen C4310793, MONDO:0014833, OMIM 616920.
Brainstem dysplasia. Identifiers: MedGen C1855677, HP:0002508.
Abnormal facial shape. Also called: Dysmorphic facies; Dysmorphic facial features. Identifiers: MedGen C0424503, HP:0001999.
Abnormal cardiovascular system morphology. Also called: Abnormality of cardiovascular system morphology. Identifiers: MedGen C4049796, HP:0030680.
Global developmental delay (DD). Also called: Cognitive delay. Identifiers: MedGen C0557874, HP:0001263. Disease mechanism: loss of function.

Allele frequency attached by ClinVar (database versions not stated): gnomAD exomes below 0.00001.
gnomAD v4.1: 1 of 1,610,852 alleles (0.000062%); highest among the groups gnomAD compares: Middle Eastern, 0.017%; no homozygotes.

Submissions (6):

PreventionGenetics, part of Exact Sciences
Classification: Likely pathogenic for SMG9-related condition. Last evaluated: 2025-10-10. Review status: criteria provided, single submitter. Criteria: ACMG Guidelines, 2015. Collection method: clinical testing. Allele origin: germline.
Comment: The SMG9 c.701+4A>G variant is predicted to interfere with splicing. This variant has been reported in the homozygous state and to segregate with disease in individuals with multiple congenital anomalies including heart and brain malformations (Shaheen et al. 2016. PubMed ID: 27018474; Table S2, Monies et al. 2019. PubMed ID: 31130284; Altuwaijri et al. 2021. PubMed ID: 33609422). Patient lymphoblastoid cells showed exon skipping leading to a frameshift and premature truncation (p.Tyr197Aspfs*10, Shaheen et al. 2016). This variant has not been reported in a large population database (gnomAD), indicating this variant is rare. This variant is interpreted as likely pathogenic.

Revvity Omics, Revvity
Classification: Uncertain significance. Last evaluated: 2020-12-15. Review status: criteria provided, single submitter. Criteria: ACMG Guidelines, 2015. Collection method: clinical testing. Allele origin: germline.

Blueprint Genetics
Classification: Likely pathogenic for SMG9-related disorders. Last evaluated: 2019-04-02. Review status: criteria provided, single submitter. Criteria: ACMG Guidelines, 2015. Collection method: clinical testing. Allele origin: germline. Affected: yes. Observed: 1 variant allele.

Genomic Medicine Center of Excellence, King Faisal Specialist Hospital and Research Centre
Classification: Likely pathogenic for Abnormal facial shape; Abnormal cardiovascular system morphology; Brainstem dysplasia; Global developmental delay. Last evaluated: 2014-10-13. Review status: criteria provided, single submitter. Criteria: Shaheen et al. (Am J Hum Genet. 2016). Collection method: research. Allele origin: germline. Affected: yes. Observed: 1 homozygote.

OMIM
Classification: Pathogenic for HEART AND BRAIN MALFORMATION SYNDROME. Last evaluated: 2024-02-12. Review status: no assertion criteria provided. Collection method: literature only. Allele origin: germline. Not counted in ClinVar's aggregate classification.

Biochemical Molecular Genetic Laboratory, King Abdulaziz Medical City
Classification: Pathogenic for Heart and brain malformation syndrome. Last evaluated: 2018-04-30. Review status: no assertion criteria provided. Collection method: clinical testing. Allele origin: germline. Affected: yes. Not counted in ClinVar's aggregate classification.

Literature cited by the submitters: PubMed 27018474 (cited by OMIM); PubMed 33609422 (cited by OMIM).

NM_019108.4(SMG9):c.701+4A>G

Gene: SMG9 (SMG9 nonsense mediated mRNA decay factor; minus strand). Cytogenetic location: 19q13.31.
Variant type: single nucleotide variant.
Coding change: c.701+4A>G on transcript NM_019108.4 (MANE Select); 4 bases into the intron after coding-DNA position 701, A replaced by G.
Molecular consequence: intron variant.
Genome position (GRCh38, 1-based): chr19:43,744,768, T>C on the plus strand (A>G on the coding strand, the complement: SMG9 is on the minus strand). VCF-style: chr19-43744768-T-C. GRCh37 (hg19) VCF-style: chr19-44248920-T-C.
Other names: IVS6DS, A-G, +4.
Identifiers: ClinVar variation 224498 (VCV000224498.9), dbSNP rs869312742, ClinGen allele CA353477.